The following is an entry in ClinVar:

ClinVar aggregate classification (germline): Benign/Likely benign. Review status: criteria provided, multiple submitters, no conflicts (2 of 4 stars). 2 submissions from 2 submitters: Benign (1); Likely benign (1). Last evaluated 2024-07-24.

Conditions:
Familial adenomatous polyposis 1 (FAP1). Also called: FAMILIAL ADENOMATOUS POLYPOSIS 1, ATTENUATED; POLYPOSIS, ADENOMATOUS INTESTINAL. Identifiers: MedGen C2713442, MONDO:0021056, OMIM 175100. Disease mechanism: loss of function.

Submissions (2):

Labcorp Genetics (formerly Invitae), Labcorp
Classification: Likely benign for Familial adenomatous polyposis 1. Last evaluated: 2024-07-24. Review status: criteria provided, single submitter. Criteria: Invitae Variant Classification Sherloc (09022015). Collection method: clinical testing. Allele origin: germline.

Myriad Genetics, Inc.
Classification: Benign for Familial adenomatous polyposis 1. Last evaluated: 2024-04-04. Review status: criteria provided, single submitter. Criteria: Myriad Autosomal Dominant, Autosomal Recessive and X-Linked Classification Criteria (2023). Collection method: clinical testing. Allele origin: unknown.
Comment: This variant is considered benign. This variant is a silent/synonymous amino acid change and it is not expected to impact splicing.

NM_000038.6(APC):c.6438A>G (p.Ser2146=)

Gene: APC (APC regulator of Wnt signaling pathway; plus strand). Cytogenetic location: 5q22.2.
Variant type: single nucleotide variant.
Coding change: c.6438A>G on transcript NM_000038.6 (MANE Select); coding-DNA position 6438, A replaced by G.
Protein change: p.Ser2146=; no amino-acid change (serine 2146 retained).
Molecular consequence: synonymous variant.
Genome position (GRCh38, 1-based): chr5:112,842,032, A>G. VCF-style: chr5-112842032-A-G. GRCh37 (hg19) VCF-style: chr5-112177729-A-G.
Other names: c.6438A>G, p.Ser2146= (NM_001127510.3, NM_001354895.2); c.6384A>G, p.Ser2128= (NM_001127511.3); c.6492A>G, p.Ser2164= (NM_001354896.2); c.6468A>G, p.Ser2156= (NM_001354897.2); c.6363A>G, p.Ser2121= (NM_001354898.2); c.6354A>G, p.Ser2118= (NM_001354899.2); c.6315A>G, p.Ser2105= (NM_001354900.2); c.6261A>G, p.Ser2087= (NM_001354901.2); and 5 more.
Identifiers: ClinVar variation 1085682 (VCV001085682.11), dbSNP rs2149964916, ClinGen allele CA446210498.